The following is an entry in ClinVar:

NM_004415.4(DSP):c.6055G>T (p.Ala2019Ser)

Gene: DSP (desmoplakin; plus strand). Cytogenetic location: 6p24.3.
Variant type: single nucleotide variant.
Coding change: c.6055G>T on transcript NM_004415.4 (MANE Select); coding-DNA position 6055, G replaced by T.
Protein change: p.Ala2019Ser; replaces alanine 2019 with serine.
Molecular consequence: missense variant.
Genome position (GRCh38, 1-based): chr6:7,583,317, G>T. VCF-style: chr6-7583317-G-T. GRCh37 (hg19) VCF-style: chr6-7583550-G-T.
Other names: p.A2019S:GCT>TCT; c.4258G>T, p.Ala1420Ser (NM_001008844.3); c.4726G>T, p.Ala1576Ser (NM_001319034.2); c.6055G>T (LRG_423t1, NM_004415.3); short protein forms A2019S, A1420S, A1576S.
Identifiers: ClinVar variation 199937 (VCV000199937.26), dbSNP rs771974957, ClinGen allele CA006697.

ClinVar aggregate classification (germline): Conflicting classifications of pathogenicity. Review status: criteria provided, conflicting classifications (1 of 4 stars). 7 submissions from 7 submitters: Uncertain significance (6); Likely benign (1). Last evaluated 2026-01-13.

Conditions:
DSP-related disorder. Also called: DSP-related disorders; DSP-related condition.
Cardiovascular phenotype. Identifiers: MedGen CN230736.
Arrhythmogenic right ventricular dysplasia 8 (ARVD8). Also called: Arrhythmogenic Right Ventricular Dysplasia/Cardiomyopathy 8; ARRHYTHMOGENIC RIGHT VENTRICULAR DYSPLASIA, FAMILIAL, 8; ARRHYTHMOGENIC RIGHT VENTRICULAR CARDIOMYOPATHY 8. Identifiers: MedGen C1843896, MONDO:0011831, OMIM 607450.
Arrhythmogenic cardiomyopathy with wooly hair and keratoderma. Also called: Dilated cardiomyopathy with woolly hair and keratoderma; Arrhythmogenic cardiomyopathy with woolly hair and keratoderma; Carvajal syndrome; PALMOPLANTAR KERATODERMA WITH LEFT VENTRICULAR CARDIOMYOPATHY AND WOOLLY HAIR. Identifiers: Orphanet 65282, MedGen C1854063, MONDO:0011581, OMIM 605676.
Cardiomyopathy (CMYO). Also called: Cardiomyopathies. Identifiers: Orphanet 167848, MedGen C0878544, MONDO:0004994, HP:0001638. Inheritance: Various modes of inheritance.

Allele frequency attached by ClinVar (database versions not stated): TOPMed 0.00010.
gnomAD v4.1: 54 of 1,614,042 alleles (0.0033%); highest among the groups gnomAD compares: Admixed American, 0.012%; 1 homozygote.

Submissions (7):

PreventionGenetics, part of Exact Sciences
Classification: Uncertain significance for DSP-related condition. Last evaluated: 2026-01-13. Review status: criteria provided, single submitter. Criteria: ACMG Guidelines, 2015. Collection method: clinical testing. Allele origin: germline.
Comment: The DSP c.6055G>T variant is predicted to result in the amino acid substitution p.Ala2019Ser. This variant has been reported in an individual with arrhythmogenic right ventricular cardiomyopathy (Alcalde et al. 2014. PubMed ID: 24967631). It has also been reported as uncertain in an individual with sudden unexplained death in childhood; however, they also harbored a missense variant in RYR2 (Kotta et al. 2023. PubMed ID: 37589201). This variant is reported in 0.017% of alleles in individuals of Latino descent in gnomAD, including one homozygote. An alternate missense substitution affecting the same amino acid (p.Ala2019Val) has been reported in an individual with left ventricular hypertrabeculation (Table S3, Miszalski-Jamka et al. 2017. PubMed ID: 28798025). At this time, the clinical significance of the c.6055G>T (p.Ala2019Ser) variant is uncertain due to the absence of conclusive functional and genetic evidence.

Color Diagnostics, LLC DBA Color Health
Classification: Uncertain significance for Cardiomyopathy. Last evaluated: 2025-11-18. Review status: criteria provided, single submitter. Criteria: ACMG Guidelines, 2015. Collection method: clinical testing. Allele origin: germline.
Comment: This missense variant replaces alanine with serine at codon 2019 of the DSP protein. Computational predictions are inconclusive regarding the impact of this variant on protein structure and function. To our knowledge, functional studies have not been reported for this variant. This variant has been reported in an individual affected with arrhythmogenic right ventricular cardiomyopathy (PMID: 24967631), and in a child who experienced sudden unexplained death, whose father was also a carrier and exhibited exercise-induced arrhythmic phenotype (PMID: 37589201). This variant has been identified in 54/1614042 chromosomes in the general population by the Genome Aggregation Database (gnomAD). The available evidence is insufficient to determine the role of this variant in disease conclusively. Therefore, this variant is classified as a Variant of Uncertain Significance.

Labcorp Genetics (formerly Invitae), Labcorp
Classification: Likely benign for Arrhythmogenic cardiomyopathy with wooly hair and keratoderma; Arrhythmogenic right ventricular dysplasia 8. Last evaluated: 2025-01-29. Review status: criteria provided, single submitter. Criteria: Invitae Variant Classification Sherloc (09022015). Collection method: clinical testing. Allele origin: germline.

Ambry Genetics
Classification: Uncertain significance for Cardiovascular phenotype. Last evaluated: 2024-08-22. Review status: criteria provided, single submitter. Criteria: Ambry Variant Classification Scheme 2023. Collection method: clinical testing. Allele origin: germline.
Comment: The p.A2019S variant (also known as c.6055G>T), located in coding exon 24 of the DSP gene, results from a G to T substitution at nucleotide position 6055. The alanine at codon 2019 is replaced by serine, an amino acid with similar properties. This alteration was reported in an individual with arrhythmogenic right ventricular cardiomyopathy; however, no segregation information was available (Alcalde M et al. PLoS ONE, 2014 Jun;9:e100560). Another variant affecting this codon (p.A2019V, c.6056C>T) has been detected in a left ventricular non-compaction cohort (Miszalski-Jamka K et al. Circ Cardiovasc Genet. 2017 Aug;10(4)). This amino acid position is highly conserved in available vertebrate species. In addition, the in silico prediction for this alteration is inconclusive. Since supporting evidence is limited at this time, the clinical significance of this alteration remains unclear.

GeneDx
Classification: Uncertain significance. Last evaluated: 2024-07-15. Review status: criteria provided, single submitter. Criteria: GeneDx Variant Classification Process June 2021. Collection method: clinical testing. Allele origin: germline. Affected: yes.
Comment: Identified in a patient with ARVC and a patient with sudden unexplained death in childhood (SUDC) in published literature (PMID: 37589201, 24967631); In silico analysis supports that this missense variant has a deleterious effect on protein structure/function; This variant is associated with the following publications: (PMID: 24967631, 37589201, 31402444)

All of Us Research Program, National Institutes of Health
Classification: Uncertain significance for Arrhythmogenic cardiomyopathy with wooly hair and keratoderma. Last evaluated: 2024-05-14. Review status: criteria provided, single submitter. Criteria: ACMG Guidelines, 2015. Collection method: clinical testing. Allele origin: germline. Inheritance: Autosomal dominant inheritance. Observed: 14 variant alleles, 14 heterozygotes.
Comment: This missense variant replaces alanine with serine at codon 2019 of the DSP protein. Computational prediction suggests that this variant may have deleterious impact on protein structure and function (internally defined REVEL score threshold >= 0.7, PMID: 27666373). To our knowledge, functional studies have not been reported for this variant. This variant has been reported in an individual affected with arrhythmogenic right ventricular cardiomyopathy (PMID: 24967631), and in a child who experienced sudden unexplained death, whose father was also a carrier and exhibited exercise-induced arrhythmic phenotype (PMID: 37589201). This variant has been identified in 11/282204 chromosomes in the general population by the Genome Aggregation Database (gnomAD). The available evidence is insufficient to determine the role of this variant in disease conclusively. Therefore, this variant is classified as a Variant of Uncertain Significance.

This study involves interpretation of variants in research participants for the purpose of population health screening. Participant phenotype was not available at the time of variant classification. Additional details can be found in publication PMID: 35346344, PMCID: PMC8962531

Blueprint Genetics
Classification: Uncertain significance. Last evaluated: 2023-12-21. Review status: criteria provided, single submitter. Criteria: ACMG Guidelines, 2015. Collection method: clinical testing. Allele origin: germline.

Literature cited by the submitters: PubMed 24967631 (cited by 3 submitters); PubMed 37589201 (cited by 3 submitters); PubMed 28798025 (cited by Ambry Genetics); PubMed 31402444 (cited by Ambry Genetics).